The following is an entry in ClinVar:

NM_025114.4(CEP290):c.5621T>C (p.Ile1874Thr)

Gene: CEP290 (centrosomal protein 290; minus strand). Cytogenetic location: 12q21.32.
Variant type: single nucleotide variant.
Coding change: c.5621T>C on transcript NM_025114.4 (MANE Select); coding-DNA position 5621, T replaced by C.
Protein change: p.Ile1874Thr; replaces isoleucine 1874 with threonine.
Molecular consequence: missense variant.
Genome position (GRCh38, 1-based): chr12:88,077,310, A>G on the plus strand (T>C on the coding strand, the complement: CEP290 is on the minus strand). VCF-style: chr12-88077310-A-G. GRCh37 (hg19) VCF-style: chr12-88471087-A-G.
Other names: short protein forms I1874T.
Identifiers: ClinVar variation 1499380 (VCV001499380.8), dbSNP rs781335780, ClinGen allele CA6711683.

ClinVar aggregate classification (germline): Uncertain significance (1 of 4 stars; one submission).

Conditions:
Nephronophthisis. Also called: Juvenile Nephronophthisis. Identifiers: Orphanet 655, MedGen C0687120, MONDO:0019005, HP:0000090.
Meckel-Gruber syndrome. Also called: DYSENCEPHALIA SPLANCHNOCYSTICA; GRUBER SYNDROME; Dysencephalia splachnocystica. Identifiers: Orphanet 564, MedGen C0265215, MONDO:0018921.
Joubert syndrome. Also called: CEREBELLOPARENCHYMAL DISORDER IV; JOUBERT-BOLTSHAUSER SYNDROME; Familial aplasia of the vermis. Identifiers: Orphanet 475, MedGen C5979921, MONDO:0018772.

Allele frequency attached by ClinVar (database versions not stated): gnomAD exomes below 0.00001; ExAC 0.00001; gnomAD 0.00001.
gnomAD v4.1: 3 of 1,586,542 alleles (0.00019%); highest among the groups gnomAD compares: African/African-American, 0.0027%; no homozygotes.

Submission:

Labcorp Genetics (formerly Invitae), Labcorp
Classification: Uncertain significance for Joubert syndrome; Meckel-Gruber syndrome; Nephronophthisis. Last evaluated: 2021-06-01. Review status: criteria provided, single submitter. Criteria: Invitae Variant Classification Sherloc (09022015). Collection method: clinical testing. Allele origin: germline.
Comment: In summary, the available evidence is currently insufficient to determine the role of this variant in disease. Therefore, it has been classified as a Variant of Uncertain Significance. Algorithms developed to predict the effect of missense changes on protein structure and function are either unavailable or do not agree on the potential impact of this missense change (SIFT: "Deleterious"; PolyPhen-2: "Benign"; Align-GVGD: "Class C0"). This variant has not been reported in the literature in individuals with CEP290-related conditions. This variant is present in population databases (rs781335780, ExAC 0.02%). This sequence change replaces isoleucine with threonine at codon 1874 of the CEP290 protein (p.Ile1874Thr). The isoleucine residue is highly conserved and there is a moderate physicochemical difference between isoleucine and threonine.